The following is an entry in ClinVar:

ClinVar aggregate classification (germline): Uncertain significance. Review status: criteria provided, multiple submitters, no conflicts (2 of 4 stars). 2 submissions from 2 submitters: Uncertain significance (2). Last evaluated 2023-11-16.

Conditions:
Inborn genetic diseases. Identifiers: MedGen C0950123, MeSH D030342.

Allele frequency attached by ClinVar (database versions not stated): gnomAD 0.00003; TOPMed 0.00003.
gnomAD v4.1: 37 of 1,605,238 alleles (0.0023%); highest among the groups gnomAD compares: South Asian, 0.0056%; no homozygotes.

Submissions (2):

Labcorp Genetics (formerly Invitae), Labcorp
Classification: Uncertain significance. Last evaluated: 2023-11-16. Review status: criteria provided, single submitter. Criteria: Invitae Variant Classification Sherloc (09022015). Collection method: clinical testing. Allele origin: germline.
Comment: This sequence change replaces valine, which is neutral and non-polar, with isoleucine, which is neutral and non-polar, at codon 492 of the C7 protein (p.Val492Ile). This variant is present in population databases (rs778023560, gnomAD 0.01%). This variant has not been reported in the literature in individuals affected with C7-related conditions. Advanced modeling of protein sequence and biophysical properties (such as structural, functional, and spatial information, amino acid conservation, physicochemical variation, residue mobility, and thermodynamic stability) performed at Invitae indicates that this missense variant is not expected to disrupt C7 protein function with a negative predictive value of 80%. In summary, the available evidence is currently insufficient to determine the role of this variant in disease. Therefore, it has been classified as a Variant of Uncertain Significance.

Ambry Genetics
Classification: Uncertain significance for Inborn genetic diseases. Last evaluated: 2023-08-15. Review status: criteria provided, single submitter. Criteria: Ambry Variant Classification Scheme 2023. Collection method: clinical testing. Allele origin: germline.

NM_000587.4(C7):c.1474G>A (p.Val492Ile)

Gene: C7 (complement C7; plus strand). Cytogenetic location: 5p13.1.
Variant type: single nucleotide variant.
Coding change: c.1474G>A on transcript NM_000587.4 (MANE Select); coding-DNA position 1474, G replaced by A.
Protein change: p.Val492Ile; replaces valine 492 with isoleucine.
Molecular consequence: missense variant.
Genome position (GRCh38, 1-based): chr5:40,958,246, G>A. VCF-style: chr5-40958246-G-A. GRCh37 (hg19) VCF-style: chr5-40958348-G-A.
Other names: short protein forms V492I.
Identifiers: ClinVar variation 2588619 (VCV002588619.3), dbSNP rs778023560, ClinGen allele CA3249976.